The following is an entry in ClinVar:

ClinVar aggregate classification (germline): Uncertain significance. Review status: criteria provided, multiple submitters, no conflicts (2 of 4 stars). 4 submissions from 4 submitters: Uncertain significance (2). 2 of the submissions do not count toward it. Last evaluated 2024-07-24.

Conditions:
Retinitis pigmentosa 25 (RP25). Identifiers: Orphanet 791, MedGen C1864446, MONDO:0011272, OMIM 602772.

Submissions (4):

Blueprint Genetics
Classification: Uncertain significance. Last evaluated: 2024-07-24. Review status: criteria provided, single submitter. Criteria: ACMG Guidelines, 2015. Collection method: clinical testing. Allele origin: germline.

Labcorp Genetics (formerly Invitae), Labcorp
Classification: Uncertain significance. Last evaluated: 2021-08-26. Review status: criteria provided, single submitter. Criteria: Invitae Variant Classification Sherloc (09022015). Collection method: clinical testing. Allele origin: germline.
Comment: This variant, c.7073_7081dup, results in the insertion of 3 amino acid(s) to the EYS protein (p.Phe2358_Glu2360dup), but otherwise preserves the integrity of the reading frame. This variant is not present in population databases (ExAC no frequency). This variant has not been reported in the literature in individuals affected with EYS-related conditions. ClinVar contains an entry for this variant (Variation ID: 554363). Algorithms developed to predict the effect of sequence changes on RNA splicing suggest that this variant may create or strengthen a splice site. In summary, the available evidence is currently insufficient to determine the role of this variant in disease. Therefore, it has been classified as a Variant of Uncertain Significance.

Natera, Inc.
Classification: Uncertain significance for Retinitis pigmentosa type 25. Last evaluated: 2021-05-16. Review status: no assertion criteria provided. Collection method: clinical testing. Allele origin: germline. Not counted in ClinVar's aggregate classification.

Counsyl
Classification: Uncertain significance for Retinitis pigmentosa 25. Last evaluated: 2017-10-17. Review status: no assertion criteria provided. Collection method: clinical testing. Allele origin: unknown. Not counted in ClinVar's aggregate classification.

NM_001142800.2(EYS):c.7073_7081dup (p.Phe2358_Glu2360dup)

Gene: EYS (EGF-like photoreceptor maintenance factor; minus strand). Cytogenetic location: 6q12.
Variant type: Duplication.
Coding change: c.7073_7081dup on transcript NM_001142800.2 (MANE Select); coding-DNA positions 7073 to 7081, 9 bases duplicated (TTTGTGAGT; older notation c.7073_7081dupTTTGTGAGT).
Protein change: p.Phe2358_Glu2360dup.
Molecular consequence: inframe insertion.
Genome position (GRCh38, 1-based): chr6:63,864,333-63,864,341, ACTCACAAA duplicated on the plus strand (TTTGTGAGT on the coding strand, the reverse complement: EYS is on the minus strand); duplicating any 9 consecutive bases within chr6:63,864,333-63,864,343 gives the same sequence; the c. name uses the placement nearest the transcript's 3' end. VCF-style (leftmost placement, unchanged base first): chr6-63864332-C-CACTCACAAA. GRCh37 (hg19) VCF-style: chr6-64574225-C-CACTCACAAA.
Other names: c.7073_7081dup, p.Phe2358_Glu2360dup (NM_001292009.2).
Identifiers: ClinVar variation 554363 (VCV000554363.12), dbSNP rs1372494388, ClinGen allele CA567708465.
Genomic context (GRCh38, chr6:63,864,332, plus strand): 5'-CCACATGGGTTGTTTTCACAACTTGCAAACTGGCACAGCTTGCCTGAATACAGCCTTGGA[C>CACTCACAAA]ACTCACAAAACAGATTTTCATTATCACTGAGAAGGGAAAAAATTTAAAAATTCATTAGGA-3'